The following is an entry in ClinVar:

NM_001148.6(ANK2):c.5242C>G (p.Leu1748Val)

Genes: ANK2 (ankyrin 2; plus strand), LOC126807136 (MED14-independent group 3 enhancer GRCh37_chr4:114274931-114276130; plus strand). Cytogenetic location: 4q26.
Variant type: single nucleotide variant.
Coding change: c.5242C>G on transcript NM_001148.6 (MANE Select); coding-DNA position 5242, C replaced by G.
Protein change: p.Leu1748Val; replaces leucine 1748 with valine.
Molecular consequence: missense variant. On other transcripts: intron variant (68).
Genome position (GRCh38, 1-based): chr4:113,353,860, C>G. VCF-style: chr4-113353860-C-G. GRCh37 (hg19) VCF-style: chr4-114275016-C-G.
Other names: c.5008C>G, p.Leu1670Val (NM_001386142.1); c.1642C>G, p.Leu548Val (NM_001386166.1); c.5383C>G, p.Leu1795Val (NM_001386174.1); c.5359C>G, p.Leu1787Val (NM_001386175.1); c.4411+3611C>G (NM_001386186.2, NM_001386148.2); c.4213+3611C>G (NM_001354269.3); c.4291+3611C>G (NM_001386187.2); c.4252+3611C>G (NM_001386147.1); and 35 more; short protein forms L1748V, L1670V, L1787V, L1795V, L548V.
Identifiers: ClinVar variation 4613601 (VCV004613601.2).

ClinVar aggregate classification (germline): Uncertain significance (1 of 4 stars; one submission).

Conditions:
Cardiovascular phenotype. Identifiers: MedGen CN230736.

gnomAD v4.1: 2 of 1,614,006 alleles (0.00012%); highest among the groups gnomAD compares: Admixed American, 0.0017%; no homozygotes.

Submission:

Ambry Genetics
Classification: Uncertain significance for Cardiovascular phenotype. Last evaluated: 2026-05-28. Review status: criteria provided, single submitter. Criteria: Ambry Variant Classification Scheme 2023. Collection method: clinical testing. Allele origin: germline.
Comment: The p.L1748V variant (also known as c.5242C>G), located in coding exon 38 of the ANK2 gene, results from a C to G substitution at nucleotide position 5242. The leucine at codon 1748 is replaced by valine, an amino acid with highly similar properties. This amino acid position is conserved. In addition, this alteration is predicted to be tolerated by in silico analysis. Based on the available evidence, the clinical significance of this variant remains unclear.